The following is an entry in ClinVar:

NM_145045.5(ODAD3):c.903_906del (p.Ile301fs)

Gene: ODAD3 (outer dynein arm docking complex subunit 3; minus strand). Cytogenetic location: 19p13.2.
Variant type: Deletion.
Coding change: c.903_906del on transcript NM_145045.5 (MANE Select); coding-DNA positions 903 to 906, 4 bases deleted (AAGT; older notation c.903_906delAAGT).
Protein change: p.Ile301fs; shifts the reading frame from isoleucine 301.
Molecular consequence: frameshift variant.
Genome position (GRCh38, 1-based): chr19:11,426,201-11,426,204, ACTT deleted on the plus strand (AAGT on the coding strand, the reverse complement: ODAD3 is on the minus strand); deleting any 4 consecutive bases within chr19:11,426,201-11,426,205 gives the same sequence; the c. name uses the placement nearest the transcript's 3' end. VCF-style (leftmost placement, unchanged base first): chr19-11426200-CACTT-C. GRCh37 (hg19) VCF-style: chr19-11537020-CACTT-C.
Other names: c.903_906delAAGT (NM_145045.4); c.741_744del, p.Ile247fs (NM_001302453.1); c.723_726del, p.Ile241fs (NM_001302454.2); short protein forms I247fs, I301fs, I241fs.
Identifiers: ClinVar variation 2862704 (VCV002862704.4), dbSNP rs759213872, ClinGen allele CA9212220.

ClinVar aggregate classification (germline): Pathogenic/Likely pathogenic. Review status: criteria provided, multiple submitters, no conflicts (2 of 4 stars). 2 submissions from 2 submitters: Pathogenic (1); Likely pathogenic (1). Last evaluated 2025-11-07.

Conditions:
Primary ciliary dyskinesia 30. Also called: CILIARY DYSKINESIA, PRIMARY, 30, WITH OR WITHOUT SITUS INVERSUS. Identifiers: Orphanet 244, MedGen C4015016, MONDO:0014465, OMIM 616037.
ODAD3-related disorder. Also called: ODAD3-related condition.

Submissions (2):

PreventionGenetics, part of Exact Sciences
Classification: Likely pathogenic for ODAD3-related condition. Last evaluated: 2025-11-07. Review status: criteria provided, single submitter. Criteria: ACMG Guidelines, 2015. Collection method: clinical testing. Allele origin: germline.
Comment: The ODAD3 c.903_906delAAGT variant is predicted to result in a frameshift and premature protein termination (p.Ile301Metfs*56). To our knowledge, this variant has not been reported in the literature. This variant is reported in 0.00089% of alleles in individuals of European (Non-Finnish) descent in gnomAD. Frameshift variants in ODAD3 are expected to be pathogenic. This variant is interpreted as likely pathogenic.

Labcorp Genetics (formerly Invitae), Labcorp
Classification: Pathogenic for Primary ciliary dyskinesia 30. Last evaluated: 2025-06-04. Review status: criteria provided, single submitter. Criteria: Invitae Variant Classification Sherloc (09022015). Collection method: clinical testing. Allele origin: germline.
Comment: This sequence change creates a premature translational stop signal (p.Ile301Metfs*56) in the CCDC151 gene. It is expected to result in an absent or disrupted protein product. Loss-of-function variants in CCDC151 are known to be pathogenic (PMID: 25192045). This variant is not present in population databases (gnomAD no frequency). This variant has not been reported in the literature in individuals affected with CCDC151-related conditions. ClinVar contains an entry for this variant (Variation ID: 2862704). For these reasons, this variant has been classified as Pathogenic.

Literature cited by the submitters: PubMed 25192045 (cited by Labcorp Genetics (formerly Invitae), Labcorp).